The following is an entry in ClinVar:

ClinVar aggregate classification (germline): Uncertain significance (1 of 4 stars; one submission).

Conditions:
Familial hypocalciuric hypercalcemia (FHH). Also called: Familial benign hypercalcemia. Identifiers: Orphanet 405, MedGen C1809471, MONDO:0018458.
Autosomal dominant hypocalcemia 1 (HYPOC1). Also called: HYPOCALCEMIA, FAMILIAL. Identifiers: MedGen C3715128, MONDO:0011013, OMIM 601198.

Allele frequency attached by ClinVar (database versions not stated): gnomAD exomes below 0.00001.
gnomAD v4.1: 2 of 1,614,058 alleles (0.00012%); highest among the groups gnomAD compares: Non-Finnish European, 0.00017%; no homozygotes.

Submission:

Labcorp Genetics (formerly Invitae), Labcorp
Classification: Uncertain significance for Familial hypocalciuric hypercalcemia; Autosomal dominant hypocalcemia 1. Last evaluated: 2022-03-03. Review status: criteria provided, single submitter. Criteria: Invitae Variant Classification Sherloc (09022015). Collection method: clinical testing. Allele origin: germline.
Comment: This variant has not been reported in the literature in individuals affected with CASR-related conditions. This variant is not present in population databases (gnomAD no frequency). This sequence change replaces alanine, which is neutral and non-polar, with glutamic acid, which is acidic and polar, at codon 548 of the CASR protein (p.Ala548Glu). Algorithms developed to predict the effect of missense changes on protein structure and function output the following: SIFT: "Deleterious"; PolyPhen-2: "Benign"; Align-GVGD: "Class C35". The glutamic acid amino acid residue is found in multiple mammalian species, which suggests that this missense change does not adversely affect protein function. In summary, the available evidence is currently insufficient to determine the role of this variant in disease. Therefore, it has been classified as a Variant of Uncertain Significance.

NM_000388.4(CASR):c.1643C>A (p.Ala548Glu)

Gene: CASR (calcium sensing receptor; plus strand). Cytogenetic location: 3q21.1.
Variant type: single nucleotide variant.
Coding change: c.1643C>A on transcript NM_000388.4 (MANE Select); coding-DNA position 1643, C replaced by A.
Protein change: p.Ala548Glu; replaces alanine 548 with glutamic acid.
Molecular consequence: missense variant.
Genome position (GRCh38, 1-based): chr3:122,282,147, C>A. VCF-style: chr3-122282147-C-A. GRCh37 (hg19) VCF-style: chr3-122000994-C-A.
Other names: c.1673C>A, p.Ala558Glu (NM_001178065.2); short protein forms A558E, A548E.
Identifiers: ClinVar variation 2106467 (VCV002106467.4), dbSNP rs2473272616, ClinGen allele CA354156181.